The following is an entry in ClinVar:

ClinVar aggregate classification (germline): Likely benign (1 of 4 stars; one submission).

gnomAD v4.1: 37 of 1,614,138 alleles (0.0023%); highest among the groups gnomAD compares: East Asian, 0.02%; no homozygotes.

Submission:

CeGaT Center for Human Genetics Tuebingen
Classification: Likely benign. Last evaluated: 2026-07-01. Review status: criteria provided, single submitter. Criteria: CeGaT Center For Human Genetics Tuebingen Variant Classification Criteria Version 2. Collection method: clinical testing. Allele origin: germline. Affected: yes. Observed: 1 variant allele.
Comment: TUBB4A: BP4, BP7

NM_006087.4(TUBB4A):c.1056C>T (p.Ala352=)

Gene: TUBB4A (tubulin beta 4A class IVa; minus strand). Cytogenetic location: 19p13.3.
Variant type: single nucleotide variant.
Coding change: c.1056C>T on transcript NM_006087.4 (MANE Select); coding-DNA position 1056, C replaced by T.
Protein change: p.Ala352=; no amino-acid change (alanine 352 retained).
Molecular consequence: synonymous variant.
Genome position (GRCh38, 1-based): chr19:6,495,443, G>A on the plus strand (C>T on the coding strand, the complement: TUBB4A is on the minus strand). VCF-style: chr19-6495443-G-A. GRCh37 (hg19) VCF-style: chr19-6495454-G-A.
Other names: c.1209C>T, p.Ala403= (NM_001289123.2); c.1191C>T, p.Ala397= (NM_001289127.2); c.1056C>T, p.Ala352= (NM_001289129.2); c.840C>T, p.Ala280= (NM_001289130.2, NM_001289131.2).
Identifiers: ClinVar variation 5039005 (VCV005039005.1).